The following is an entry in ClinVar:

ClinVar aggregate classification (germline): Conflicting classifications of pathogenicity. Review status: criteria provided, conflicting classifications (1 of 4 stars). 6 submissions from 6 submitters: Uncertain significance (1); Benign (1); Likely benign (3). 1 of the submissions does not count toward it. Last evaluated 2026-05-01.

Conditions:
CCDC88C-related disorder. Also called: CCDC88C-Related Disorders; CCDC88C-related condition.

Allele frequency attached by ClinVar (database versions not stated): ESP Exome Variant Server 0.00088; 1000 Genomes Project 0.00120; 1000 Genomes Project 30x 0.00125; TOPMed 0.00132; gnomAD exomes 0.00158 and 0.00227; gnomAD 0.00201 and 0.00212; ExAC 0.00228.
gnomAD v4.1: 2,427 of 1,485,276 alleles (0.16%); highest among the groups gnomAD compares: South Asian, 0.23%; 13 homozygotes.

Submissions (6):

CeGaT Center for Human Genetics Tuebingen
Classification: Likely benign. Last evaluated: 2026-05-01. Review status: criteria provided, single submitter. Criteria: CeGaT Center For Human Genetics Tuebingen Variant Classification Criteria Version 2. Collection method: clinical testing. Allele origin: germline. Affected: yes. Observed: 4 variant alleles.
Comment: CCDC88C: BS2

Labcorp Genetics (formerly Invitae), Labcorp
Classification: Likely benign. Last evaluated: 2026-01-28. Review status: criteria provided, single submitter. Criteria: Invitae Variant Classification Sherloc (09022015). Collection method: clinical testing. Allele origin: germline.

Mayo Clinic Laboratories, Mayo Clinic
Classification: Benign. Last evaluated: 2025-08-20. Review status: criteria provided, single submitter. Criteria: ACMG Guidelines, 2015. Collection method: clinical testing. Allele origin: germline. Observed: 1 variant allele.
Comment: BS1, BS2

Blueprint Genetics
Classification: Likely benign. Last evaluated: 2024-11-26. Review status: criteria provided, single submitter. Criteria: ACMG Guidelines, 2015. Collection method: clinical testing. Allele origin: germline.

Athena Diagnostics
Classification: Uncertain significance. Last evaluated: 2016-10-31. Review status: criteria provided, single submitter. Criteria: Athena Diagnostics Criteria. Collection method: clinical testing. Allele origin: germline.

PreventionGenetics, part of Exact Sciences
Classification: Likely benign for CCDC88C-related condition. Last evaluated: 2020-10-16. Review status: no assertion criteria provided. Collection method: clinical testing. Allele origin: germline. Not counted in ClinVar's aggregate classification.
Comment: This variant is classified as likely benign based on ACMG/AMP sequence variant interpretation guidelines (Richards et al. 2015 PMID: 25741868, with internal and published modifications).

NM_001080414.4(CCDC88C):c.5087T>C (p.Leu1696Pro)

Gene: CCDC88C (coiled-coil and HOOK domain protein 88C; minus strand). Cytogenetic location: 14q32.11.
Variant type: single nucleotide variant.
Coding change: c.5087T>C on transcript NM_001080414.4 (MANE Select); coding-DNA position 5087, T replaced by C.
Protein change: p.Leu1696Pro; replaces leucine 1696 with proline.
Molecular consequence: missense variant.
Genome position (GRCh38, 1-based): chr14:91,273,625, A>G on the plus strand (T>C on the coding strand, the complement: CCDC88C is on the minus strand). VCF-style: chr14-91273625-A-G. GRCh37 (hg19) VCF-style: chr14-91739969-A-G.
Other names: short protein forms L1696P.
Identifiers: ClinVar variation 447023 (VCV000447023.45), dbSNP rs77154172, ClinGen allele CA7308736.